The following is an entry in ClinVar:

NM_017636.4(TRPM4):c.905C>T (p.Ala302Val)

Gene: TRPM4 (transient receptor potential cation channel subfamily M member 4; plus strand). Cytogenetic location: 19q13.33.
Variant type: single nucleotide variant.
Coding change: c.905C>T on transcript NM_017636.4 (MANE Select); coding-DNA position 905, C replaced by T.
Protein change: p.Ala302Val; replaces alanine 302 with valine.
Molecular consequence: missense variant. On other transcripts: 5 prime UTR variant (1).
Genome position (GRCh38, 1-based): chr19:49,171,624, C>T. VCF-style: chr19-49171624-C-T. GRCh37 (hg19) VCF-style: chr19-49674881-C-T.
Other names: c.905C>T, p.Ala302Val (NM_001195227.2); c.560C>T, p.Ala187Val (NM_001321281.2); c.-649C>T (NM_001321282.2); c.383C>T, p.Ala128Val (NM_001321283.2); c.56C>T, p.Ala19Val (NM_001321285.2); short protein forms A128V, A19V, A187V, A302V.
Identifiers: ClinVar variation 1517000 (VCV001517000.8), dbSNP rs2122834162, ClinGen allele CA406793948.

ClinVar aggregate classification (germline): Uncertain significance (1 of 4 stars; one submission).

Conditions:
Progressive familial heart block type IB (PFHB1B). Identifiers: Orphanet 871, MedGen C1970298, MONDO:0011474, OMIM 604559.

Submission:

Labcorp Genetics (formerly Invitae), Labcorp
Classification: Uncertain significance for Progressive familial heart block type IB. Last evaluated: 2022-07-19. Review status: criteria provided, single submitter. Criteria: Invitae Variant Classification Sherloc (09022015). Collection method: clinical testing. Allele origin: germline.
Comment: Algorithms developed to predict the effect of missense changes on protein structure and function (SIFT, PolyPhen-2, Align-GVGD) all suggest that this variant is likely to be tolerated. In summary, the available evidence is currently insufficient to determine the role of this variant in disease. Therefore, it has been classified as a Variant of Uncertain Significance. Algorithms developed to predict the effect of sequence changes on RNA splicing suggest that this variant may create or strengthen a splice site. ClinVar contains an entry for this variant (Variation ID: 1517000). This variant has not been reported in the literature in individuals affected with TRPM4-related conditions. This variant is not present in population databases (gnomAD no frequency). This sequence change replaces alanine, which is neutral and non-polar, with valine, which is neutral and non-polar, at codon 302 of the TRPM4 protein (p.Ala302Val).